The following is an entry in ClinVar:

ClinVar aggregate classification (germline): Uncertain significance (1 of 4 stars; one submission).

Conditions:
Hypertrophic cardiomyopathy 1 (CMH1). Also called: Familial hypertrophic cardiomyopathy 1; MYH7-Related Familial Hypertrophic Cardiomyopathy. Identifiers: MedGen C3495498, MONDO:0008647, OMIM 192600.

Submission:

3billion
Classification: Uncertain significance for Hypertrophic cardiomyopathy 1. Last evaluated: 2025-03-04. Review status: criteria provided, single submitter. Criteria: ACMG Guidelines, 2015. Collection method: clinical testing. Allele origin: germline. Affected: yes.
Comment: The variant is not observed in the gnomAD v4.1.0 dataset. Predicted Consequence/Location: The variant is located in a mutational hot spot and/or well-established functional domain in which established pathogenic variants have been reported (PMID: 29300372). In silico tool predictions suggest damaging effect of the variant on gene or gene product [REVEL: 0.66 (>=0.6, sensitivity 0.68 and specificity 0.92); 3Cnet: 0.99 (> 0.75, sensitivity 0.96 and precision 0.92)]. Therefore, this variant is classified as VUS according to the recommendation of ACMG/AMP guideline.

NM_000257.4(MYH7):c.1868A>T (p.Asn623Ile)

Gene: MYH7 (myosin heavy chain 7; minus strand). Cytogenetic location: 14q11.2.
Variant type: single nucleotide variant.
Coding change: c.1868A>T on transcript NM_000257.4 (MANE Select); coding-DNA position 1868, A replaced by T.
Protein change: p.Asn623Ile; replaces asparagine 623 with isoleucine.
Molecular consequence: missense variant.
Genome position (GRCh38, 1-based): chr14:23,427,605, T>A on the plus strand (A>T on the coding strand, the complement: MYH7 is on the minus strand). VCF-style: chr14-23427605-T-A. GRCh37 (hg19) VCF-style: chr14-23896814-T-A.
Other names: c.1868A>T, p.Asn623Ile (NM_001407004.1); short protein forms N623I.
Identifiers: ClinVar variation 4293844 (VCV004293844.1).